The following is an entry in ClinVar:

NM_004360.5(CDH1):c.806G>A (p.Gly269Glu)

Gene: CDH1 (cadherin 1; plus strand). Cytogenetic location: 16q22.1.
Variant type: single nucleotide variant.
Coding change: c.806G>A on transcript NM_004360.5 (MANE Select); coding-DNA position 806, G replaced by A.
Protein change: p.Gly269Glu; replaces glycine 269 with glutamic acid.
Molecular consequence: missense variant. On other transcripts: 5 prime UTR variant (2).
Genome position (GRCh38, 1-based): chr16:68,810,315, G>A. VCF-style: chr16-68810315-G-A. GRCh37 (hg19) VCF-style: chr16-68844218-G-A.
Other names: c.806G>A, p.Gly269Glu (NM_001317184.2); c.-810G>A (NM_001317185.2); c.-1014G>A (NM_001317186.2); short protein forms G269E.
Identifiers: ClinVar variation 2701276 (VCV002701276.3), dbSNP rs2152131162, ClinGen allele CA396458877.
Genomic context (GRCh38, chr16:68,810,315, plus strand): 5'-TGATCACGGTAACCGATCAGAATGACAACAAGCCCGAATTCACCCAGGAGGTCTTTAAGG[G>A]GTCTGTCATGGAAGGTGCTCTTCCAGGTATATCCACTAATGAGAATCTGAATACTCAGAA-3'
Protein context (NP_004351.1, residues 259-279): KPEFTQEVFK[Gly269Glu]SVMEGALPGT

ClinVar aggregate classification (germline): Uncertain significance (1 of 4 stars; one submission).

Conditions:
Hereditary diffuse gastric adenocarcinoma (HDGC). Also called: DIFFUSE GASTRIC AND LOBULAR BREAST CANCER SYNDROME. Identifiers: Orphanet 26106, MedGen C1708349, MONDO:0007648, OMIM 137215.

Submission:

Labcorp Genetics (formerly Invitae), Labcorp
Classification: Uncertain significance for Hereditary diffuse gastric adenocarcinoma. Last evaluated: 2023-12-06. Review status: criteria provided, single submitter. Criteria: Invitae Variant Classification Sherloc (09022015). Collection method: clinical testing. Allele origin: germline.
Comment: This sequence change replaces glycine, which is neutral and non-polar, with glutamic acid, which is acidic and polar, at codon 269 of the CDH1 protein (p.Gly269Glu). This variant is not present in population databases (gnomAD no frequency). This variant has not been reported in the literature in individuals affected with CDH1-related conditions. An algorithm developed to predict the effect of missense changes on protein structure and function (PolyPhen-2) suggests that this variant is likely to be disruptive. In summary, the available evidence is currently insufficient to determine the role of this variant in disease. Therefore, it has been classified as a Variant of Uncertain Significance.